The following is an entry in ClinVar:

NM_001384140.1(PCDH15):c.2697del (p.Phe899fs)

Gene: PCDH15 (protocadherin related 15; minus strand). Cytogenetic location: 10q21.1.
Variant type: Deletion.
Coding change: c.2697del on transcript NM_001384140.1 (MANE Select); coding-DNA position 2697, one base deleted (T; older notation c.2697delT).
Protein change: p.Phe899fs; shifts the reading frame from phenylalanine 899.
Molecular consequence: frameshift variant.
Genome position (GRCh38, 1-based): chr10:54,020,246, A deleted on the plus strand (T on the coding strand, the reverse complement: PCDH15 is on the minus strand); the first of 3 consecutive A bases (chr10:54,020,246-54,020,248); deleting any one gives the same sequence. VCF-style (leftmost placement, unchanged base first): chr10-54020245-CA-C. GRCh37 (hg19) VCF-style: chr10-55780005-CA-C.
Other names: c.2712del, p.Phe904fs (NM_001142763.2, NM_001142771.2); c.2697del, p.Phe899fs (NM_001142764.2, NM_001142766.2, NM_001142770.3 and 5 more transcripts); c.2484del, p.Phe828fs (NM_001142765.2); c.2586del, p.Phe862fs (NM_001142767.2); c.2631del, p.Phe877fs (NM_001142768.2, NM_001142773.2, NM_001354404.2); c.2731delT, p.Phe911Leufs (NM_001142769.4); c.2718del, p.Phe906fs (NM_001354411.2); short protein forms F828fs, F862fs, F877fs, F899fs, F904fs, F906fs, F911fs.
Identifiers: ClinVar variation 5012413 (VCV005012413.1).

ClinVar aggregate classification (germline): Pathogenic (1 of 4 stars; one submission).

Conditions:
Usher syndrome type 1F (USH1F). Also called: USHER SYNDROME, TYPE IF. Identifiers: Orphanet 231169, Orphanet 886, MedGen C1865885, MONDO:0011186, OMIM 602083.

Submission:

Myriad Genetics, Inc.
Classification: Pathogenic for Usher syndrome type 1F. Last evaluated: 2023-10-22. Review status: criteria provided, single submitter. Criteria: Myriad Autosomal Dominant, Autosomal Recessive and X-Linked Classification Criteria (2023). Collection method: clinical testing. Allele origin: unknown.
Comment: NM_033056.3(PCDH15):c.2697delT(F899Lfs*16) is expected to be pathogenic in the context of PCDH15-related disorders. This variant is predicted to lead to an abnormal or absent protein product due to the creation of a premature termination codon in PCDH15, a gene where loss-of-function variants are known to be pathogenic. Please note: this variant was assessed in the context of healthy population screening.